The following is an entry in ClinVar:

NM_032043.3(BRIP1):c.1018_1019insCT (p.Leu340fs)

Gene: BRIP1 (BRCA1 interacting DNA helicase 1; minus strand). Cytogenetic location: 17q23.2.
Variant type: Insertion.
Coding change: c.1018_1019insCT on transcript NM_032043.3 (MANE Select); coding-DNA positions 1018 to 1019, CT inserted.
Protein change: p.Leu340fs; shifts the reading frame from leucine 340.
Molecular consequence: frameshift variant.
Genome position: GRCh38 VCF-style: chr17-61801374-A-AAG. GRCh37 (hg19) VCF-style: chr17-59878735-A-AAG.
Other names: short protein forms L340fs.
Identifiers: ClinVar variation 241621 (VCV000241621.22), dbSNP rs878855134, ClinGen allele CA10583636.

ClinVar aggregate classification (germline): Pathogenic/Likely pathogenic. Review status: criteria provided, multiple submitters, no conflicts (2 of 4 stars). 7 submissions from 7 submitters: Pathogenic (5); Likely pathogenic (2). Last evaluated 2025-10-01.

Conditions:
Familial ovarian cancer. Identifiers: MedGen C5679802, MONDO:0016248.
Familial cancer of breast. Also called: BREAST CANCER, FAMILIAL; Hereditary breast cancer; hereditary breast carcinoma. Identifiers: Orphanet 227535, MedGen C0346153, MONDO:0016419, OMIM 114480. Disease mechanism: loss of function.
Fanconi anemia complementation group J. Also called: BRIP1-Related Fanconi Anemia. Identifiers: Orphanet 84, MedGen C1836860, MONDO:0012187, OMIM 609054.
Hereditary cancer-predisposing syndrome. Also called: Neoplastic Syndromes, Hereditary; Tumor predisposition; Hereditary neoplastic syndrome; Hereditary Cancer Syndrome. Identifiers: Orphanet 140162, MedGen C0027672, MeSH D009386, MONDO:0015356.

Allele frequency attached by ClinVar (database versions not stated): gnomAD exomes below 0.00001.

Submissions (7):

Institute for Genomic Medicine (IGM) Clinical Laboratory, Nationwide Children's Hospital
Classification: Likely pathogenic for Hereditary cancer-predisposing syndrome. Last evaluated: 2025-10-01. Review status: criteria provided, single submitter. Criteria: ACMG Guidelines, 2015. Collection method: clinical testing. Allele origin: germline.
Comment: This variant is predicted to result in loss of function through nonsense-mediated decay of the encoded transcript or premature truncation of the encoded protein in a gene in which loss of function is a known mechanism of disease (ACMG/AMP: PVS1; PMIDs:17033622, 21964575, 29368626). This variant is absent from or present at an exceedingly low frequency in gnomAD, a large-scale control population database (ACMG/AMP: PM2).

Labcorp Genetics (formerly Invitae), Labcorp
Classification: Pathogenic for Familial cancer of breast; Fanconi anemia complementation group J. Last evaluated: 2025-05-22. Review status: criteria provided, single submitter. Criteria: Invitae Variant Classification Sherloc (09022015). Collection method: clinical testing. Allele origin: germline.
Comment: This sequence change creates a premature translational stop signal (p.Leu340Profs*9) in the BRIP1 gene. It is expected to result in an absent or disrupted protein product. Loss-of-function variants in BRIP1 are known to be pathogenic (PMID: 16116423, 17033622, 21964575). This variant is not present in population databases (gnomAD no frequency). This variant has not been reported in the literature in individuals affected with BRIP1-related conditions. ClinVar contains an entry for this variant (Variation ID: 241621). RNA analysis performed to evaluate the impact of this premature translational stop signal on mRNA splicing indicates it does not significantly alter splicing (internal data). For these reasons, this variant has been classified as Pathogenic.

Ambry Genetics
Classification: Pathogenic for Hereditary cancer-predisposing syndrome. Last evaluated: 2025-04-24. Review status: criteria provided, single submitter. Criteria: Ambry Variant Classification Scheme 2023. Collection method: clinical testing. Allele origin: germline.
Comment: The c.1018_1019insCT pathogenic mutation, located in coding exon 7 of the BRIP1 gene, results from an insertion of two nucleotides at position 1018, causing a translational frameshift with a predicted alternate stop codon (p.L340Pfs*9). This variant is considered to be rare based on population cohorts in the Genome Aggregation Database (gnomAD). This alteration is expected to result in loss of function by premature protein truncation or nonsense-mediated mRNA decay. As such, this alteration is interpreted as a disease-causing mutation.

Color Diagnostics, LLC DBA Color Health
Classification: Pathogenic for Hereditary cancer-predisposing syndrome. Last evaluated: 2024-11-05. Review status: criteria provided, single submitter. Criteria: ACMG Guidelines, 2015. Collection method: clinical testing. Allele origin: germline.
Comment: This variant inserts 2 nucleotides in exon 8 of the BRIP1 gene, creating a frameshift and premature translation stop signal. This variant is expected to result in an absent or non-functional protein product. To our knowledge, this variant has not been reported in individuals affected with BRIP1-related disorders in the literature. This variant has not been identified in the general population by the Genome Aggregation Database (gnomAD). Loss of BRIP1 function is a known mechanism of disease. Based on the available evidence, this variant is classified as Pathogenic.

Molecular Pathology, Peter Maccallum Cancer Centre
Classification: Pathogenic for Familial ovarian cancer. Last evaluated: 2024-09-11. Review status: criteria provided, single submitter. Criteria: ACMG Guidelines, 2015. Collection method: clinical testing. Allele origin: germline. Inheritance: Autosomal dominant inheritance.

Fulgent Genetics
Classification: Likely pathogenic for Familial cancer of breast; Fanconi anemia complementation group J. Last evaluated: 2024-03-14. Review status: criteria provided, single submitter. Criteria: ACMG Guidelines, 2015. Collection method: clinical testing. Allele origin: germline.

Myriad Genetics, Inc.
Classification: Pathogenic for Familial cancer of breast. Last evaluated: 2023-06-01. Review status: criteria provided, single submitter. Criteria: Myriad Autosomal Dominant, Autosomal Recessive and X-Linked Classification Criteria (2023). Collection method: clinical testing. Allele origin: unknown.
Comment: This variant is considered pathogenic. This variant creates a frameshift predicted to result in premature protein truncation.

Literature cited by the submitters: PubMed 17033622 (cited by Institute for Genomic Medicine (IGM) Clinical Laboratory, Nationwide Children's Hospital and Labcorp Genetics (formerly Invitae), Labcorp); PubMed 21964575 (cited by Institute for Genomic Medicine (IGM) Clinical Laboratory, Nationwide Children's Hospital and Labcorp Genetics (formerly Invitae), Labcorp); PubMed 29368626 (cited by Institute for Genomic Medicine (IGM) Clinical Laboratory, Nationwide Children's Hospital); PubMed 16116423 (cited by Labcorp Genetics (formerly Invitae), Labcorp).